The following is an entry in ClinVar:

ClinVar aggregate classification (germline): Uncertain significance (1 of 4 stars; one submission).

gnomAD v4.1: 1 of 1,613,072 alleles (0.000062%); highest among the groups gnomAD compares: Non-Finnish European, 0.000085%; no homozygotes.

Submission:

Labcorp Genetics (formerly Invitae), Labcorp
Classification: Uncertain significance. Last evaluated: 2025-05-04. Review status: criteria provided, single submitter. Criteria: Invitae Variant Classification Sherloc (09022015). Collection method: clinical testing. Allele origin: germline.
Comment: This sequence change replaces valine, which is neutral and non-polar, with leucine, which is neutral and non-polar, at codon 395 of the ITGAM protein (p.Val395Leu). This variant is not present in population databases (gnomAD no frequency). This variant has not been reported in the literature in individuals affected with ITGAM-related conditions. An algorithm developed to predict the effect of missense changes on protein structure and function (PolyPhen-2) suggests that this variant is likely to be tolerated. In summary, the available evidence is currently insufficient to determine the role of this variant in disease. Therefore, it has been classified as a Variant of Uncertain Significance.

NM_000632.4(ITGAM):c.1183G>T (p.Val395Leu)

Gene: ITGAM (integrin subunit alpha M; plus strand). Cytogenetic location: 16p11.2.
Variant type: single nucleotide variant.
Coding change: c.1183G>T on transcript NM_000632.4 (MANE Select); coding-DNA position 1183, G replaced by T.
Protein change: p.Val395Leu; replaces valine 395 with leucine.
Molecular consequence: missense variant.
Genome position (GRCh38, 1-based): chr16:31,277,019, G>T. VCF-style: chr16-31277019-G-T. GRCh37 (hg19) VCF-style: chr16-31288340-G-T.
Other names: c.1183G>T, p.Val395Leu (NM_001145808.2); short protein forms V395L.
Identifiers: ClinVar variation 4769376 (VCV004769376.1).